The following is an entry in ClinVar:

ClinVar aggregate classification (germline): Conflicting classifications of pathogenicity. Review status: criteria provided, conflicting classifications (1 of 4 stars). 3 submissions from 3 submitters: Likely pathogenic (1); Uncertain significance (2). Last evaluated 2026-03-05.

Conditions:
Congenital myasthenic syndrome 11. Also called: MYASTHENIC SYNDROME, CONGENITAL, Ie; Myasthenic syndrome, congenital, 11, associated with acetylcholine receptor deficiency. Identifiers: Orphanet 590, MedGen C4225367, MONDO:0014588, OMIM 616326.
Fetal akinesia deformation sequence 2. Identifiers: MedGen C4760576, MONDO:0100102, OMIM 618388.
RAPSN-related disorder. Also called: RAPSN-related condition; RAPSN-related disorders. Identifiers: MedGen CN239397.

Submissions (3):

Myriad Genetics, Inc.
Classification: Uncertain significance for RAPSN-related disorder. Last evaluated: 2026-03-05. Review status: criteria provided, single submitter. Criteria: Myriad Autosomal Dominant, Autosomal Recessive and X-Linked Classification Criteria (2023). Collection method: clinical testing. Allele origin: unknown.
Comment: NM_005055.4(RAPSN):c.1172T>C(L391P) is a missense variant classified as a variant of uncertain significance in the context of RAPSN-related disorders. L391P has been observed in a case with relevant disease (PMID: 30712878). Relevant functional assessments of this variant are not available in the literature. L391P has not been observed in referenced population frequency databases. In summary, there is insufficient evidence to classify NM_005055.4(RAPSN):c.1172T>C(L391P) as pathogenic or benign. Please note: this variant was assessed in the context of healthy population screening.

Fulgent Genetics
Classification: Likely pathogenic for Congenital myasthenic syndrome 11; Fetal akinesia deformation sequence 2. Last evaluated: 2024-05-31. Review status: criteria provided, single submitter. Criteria: ACMG Guidelines, 2015. Collection method: clinical testing. Allele origin: germline.

Women's Health and Genetics/Laboratory Corporation of America, LabCorp
Classification: Uncertain significance. Last evaluated: 2024-05-30. Review status: criteria provided, single submitter. Criteria: LabCorp Variant Classification Summary - May 2015. Collection method: clinical testing. Allele origin: germline.
Comment: Variant summary: RAPSN c.1172T>C (p.Leu391Pro) results in a non-conservative amino acid change located in the Zinc finger, RING-type domain (IPR001841) of the encoded protein sequence. Five of five in-silico tools predict a damaging effect of the variant on protein function. The variant was absent in 155740 control chromosomes. c.1172T>C has been reported in the literature in compound heterozygous individuals affected with RAPSN-Related Disorders (Petrovski_2019). These data indicate that the variant may be associated with disease. To our knowledge, no experimental evidence demonstrating an impact on protein function has been reported. The following publication has been ascertained in the context of this evaluation (PMID: 30712878). No submitters have cited clinical-significance assessments for this variant to ClinVar. Based on the evidence outlined above, the variant was classified as VUS-possibly pathogenic.

Literature cited by the submitters: PubMed 30712878 (cited by Myriad Genetics, Inc. and Women's Health and Genetics/Laboratory Corporation of America, LabCorp).

NM_005055.5(RAPSN):c.1172T>C (p.Leu391Pro)

Gene: RAPSN (receptor associated protein of the synapse; minus strand). Cytogenetic location: 11p11.2.
Variant type: single nucleotide variant.
Coding change: c.1172T>C on transcript NM_005055.5 (MANE Select); coding-DNA position 1172, T replaced by C.
Protein change: p.Leu391Pro; replaces leucine 391 with proline.
Molecular consequence: missense variant.
Genome position (GRCh38, 1-based): chr11:47,438,042, A>G on the plus strand (T>C on the coding strand, the complement: RAPSN is on the minus strand). VCF-style: chr11-47438042-A-G. GRCh37 (hg19) VCF-style: chr11-47459593-A-G.
Other names: c.995T>C, p.Leu332Pro (NM_032645.5); short protein forms L332P, L391P.
Identifiers: ClinVar variation 3336102 (VCV003336102.3).
Genomic context (GRCh38, chr11:47,438,042, plus strand): 5'-AAGCCAGGCTTCATGGATGAGCGGCGGCAGTTGGGACAGCTCCGGGTCCCGTTGTTCTGC[A>G]GGCACCTGGGGAGGCAAAGGGCCCTGTCCACTCCCCTGAGGCCTGTCCTTCCCTCCGGGC-3'
Protein context (NP_005046.2, residues 381-401): PCSHIFHLRC[Leu391Pro]QNNGTRSCPN